The following is an entry in ClinVar:

NM_020822.3(KCNT1):c.2243_2243+1del

Gene: KCNT1 (potassium sodium-activated channel subfamily T member 1; plus strand). Cytogenetic location: 9q34.3.
Variant type: Microsatellite.
Coding change: c.2243_2243+1del on transcript NM_020822.3 (MANE Select); coding-DNA position 2243 through the canonical splice donor site of the intron after coding-DNA position 2243, 2 bases deleted (AG; older notation c.2243_2243+1delAG).
Molecular consequence: splice donor variant.
Genome position (GRCh38, 1-based): chr9:135,772,949-135,772,950, AG deleted; deleting any 2 consecutive bases within chr9:135,772,947-135,772,950 gives the same sequence; the c. name uses the placement nearest the transcript's 3' end. VCF-style (leftmost placement, unchanged base first): chr9-135772946-TAG-T. GRCh37 (hg19) VCF-style: chr9-138664792-TAG-T.
Other names: c.2108_2108+1del (NM_001272003.2).
Identifiers: ClinVar variation 4794923 (VCV004794923.1).
Genomic context (GRCh38, chr9:135,772,946, plus strand): 5'-TGCTGAGCGACCAGTCGGAGGATGAGGTGACGCCGTCGGACGACGAGGGGCTCTCCGTGG[TAG>T]AGTGAGTGCTGCCTTGGAGACGGCTCCCAGTGGGGGGAGGAGCCGCCCATGAGTGCGGGG-3'

ClinVar aggregate classification (germline): Uncertain significance (1 of 4 stars; one submission).

Conditions:
Autosomal dominant nocturnal frontal lobe epilepsy 5. Also called: CILIARY DYSKINESIA, PRIMARY, 28, WITH SITUS INVERSUS; Epilepsy, nocturnal frontal lobe, 5; CILIARY DYSKINESIA, PRIMARY, 28, WITHOUT SITUS INVERSUS; KCNT1-Related Epilepsy. Identifiers: Orphanet 98784, MedGen C3554306, MONDO:0014002, OMIM 615005.
Developmental and epileptic encephalopathy, 14 (DEE14). Also called: Early infantile epileptic encephalopathy 14. Identifiers: Orphanet 293181, MedGen C3554195, MONDO:0013989, OMIM 614959.

Submission:

Labcorp Genetics (formerly Invitae), Labcorp
Classification: Uncertain significance for Autosomal dominant nocturnal frontal lobe epilepsy 5; Developmental and epileptic encephalopathy, 14. Last evaluated: 2025-11-12. Review status: criteria provided, single submitter. Criteria: Invitae Variant Classification Sherloc (09022015). Collection method: clinical testing. Allele origin: germline.
Comment: This variant results in the deletion of part of exon 19 (c.2243_2243+1del) of the KCNT1 gene. It affects a nucleotide within the consensus splice site. This variant is present in population databases (rs745569466, gnomAD 0.003%). This variant has not been reported in the literature in individuals affected with KCNT1-related conditions. Variants that disrupt the consensus splice site are a relatively common cause of aberrant splicing (PMID: 17576681, 9536098). In summary, the available evidence is currently insufficient to determine the role of this variant in disease. Therefore, it has been classified as a Variant of Uncertain Significance.

Literature cited by the submitters: PubMed 17576681; PubMed 9536098.